The following is an entry in ClinVar:

ClinVar aggregate classification (germline): Uncertain significance. Review status: criteria provided, multiple submitters, no conflicts (2 of 4 stars). 3 submissions from 3 submitters: Uncertain significance (3). Last evaluated 2026-06-01.

Conditions:
Hereditary cancer-predisposing syndrome. Also called: Hereditary Cancer Syndrome; Neoplastic Syndromes, Hereditary; Tumor predisposition; Hereditary neoplastic syndrome. Identifiers: Orphanet 140162, MedGen C0027672, MeSH D009386, MONDO:0015356.

Allele frequency attached by ClinVar (database versions not stated): gnomAD exomes below 0.00001 and 0.00001; TOPMed below 0.00001; ExAC 0.00001.
gnomAD v4.1: 11 of 1,612,510 alleles (0.00068%); highest among the groups gnomAD compares: Non-Finnish European, 0.00076%; no homozygotes.

Submissions (3):

CeGaT Center for Human Genetics Tuebingen
Classification: Uncertain significance. Last evaluated: 2026-06-01. Review status: criteria provided, single submitter. Criteria: CeGaT Center For Human Genetics Tuebingen Variant Classification Criteria Version 2. Collection method: clinical testing. Allele origin: germline. Affected: yes. Observed: 1 variant allele.
Comment: NTHL1: PM2

Labcorp Genetics (formerly Invitae), Labcorp
Classification: Uncertain significance. Last evaluated: 2026-01-16. Review status: criteria provided, single submitter. Criteria: Invitae Variant Classification Sherloc (09022015). Collection method: clinical testing. Allele origin: germline.
Comment: This sequence change replaces glycine, which is neutral and non-polar, with serine, which is neutral and polar, at codon 158 of the NTHL1 protein (p.Gly158Ser). This variant is present in population databases (rs749527022, gnomAD 0.0009%). This variant has not been reported in the literature in individuals affected with NTHL1-related conditions. ClinVar contains an entry for this variant (Variation ID: 839266). An algorithm developed to predict the effect of missense changes on protein structure and function (PolyPhen-2) suggests that this variant is likely to be disruptive. In summary, the available evidence is currently insufficient to determine the role of this variant in disease. Therefore, it has been classified as a Variant of Uncertain Significance.

Ambry Genetics
Classification: Uncertain significance for Hereditary cancer-predisposing syndrome. Last evaluated: 2024-10-02. Review status: criteria provided, single submitter. Criteria: Ambry Variant Classification Scheme 2023. Collection method: clinical testing. Allele origin: germline.
Comment: The p.G158S variant (also known as c.472G>A), located in coding exon 3 of the NTHL1 gene, results from a G to A substitution at nucleotide position 472. The glycine at codon 158 is replaced by serine, an amino acid with similar properties. This amino acid position is highly conserved in available vertebrate species. In addition, this alteration is predicted to be deleterious by in silico analysis. Based on the available evidence, the clinical significance of this variant remains unclear.

NM_002528.7(NTHL1):c.448G>A (p.Gly150Ser)

Gene: NTHL1 (nth like DNA glycosylase 1; minus strand). Cytogenetic location: 16p13.3.
Variant type: single nucleotide variant.
Coding change: c.448G>A on transcript NM_002528.7 (MANE Select); coding-DNA position 448, G replaced by A.
Protein change: p.Gly150Ser; replaces glycine 150 with serine.
Molecular consequence: missense variant. On other transcripts: intron variant (1).
Genome position (GRCh38, 1-based): chr16:2,044,707, C>T on the plus strand (G>A on the coding strand, the complement: NTHL1 is on the minus strand). VCF-style: chr16-2044707-C-T. GRCh37 (hg19) VCF-style: chr16-2094708-C-T.
Other names: c.118G>A, p.Gly40Ser (NM_001318194.2); c.355-981G>A (NM_001318193.2); short protein forms G150S, G40S.
Identifiers: ClinVar variation 839266 (VCV000839266.12), dbSNP rs749527022, ClinGen allele CA7828253.